The following is an entry in ClinVar:

ClinVar aggregate classification (germline): Pathogenic. Review status: criteria provided, multiple submitters, no conflicts (2 of 4 stars). 5 submissions from 5 submitters: Pathogenic (4). 1 of the submissions does not count toward it. Last evaluated 2025-05-07.

Conditions:
Amyotrophic lateral sclerosis type 6. Also called: AMYOTROPHIC LATERAL SCLEROSIS 6 WITHOUT FRONTOTEMPORAL DEMENTIA; FUS-Related Amyotrophic Laterial Sclerosis; Amyotrophic lateral sclerosis 6, with or without frontotemporal dementia. Identifiers: Orphanet 275872, Orphanet 803, MedGen C2931786, MONDO:0011951, OMIM 608030.
Tremor, hereditary essential, 4 (ETM4). Identifiers: MedGen C3539195, MONDO:0013888, OMIM 614782.
FUS-related disorder. Also called: FUS-related condition.

Submissions (5):

Mayo Clinic Laboratories, Mayo Clinic
Classification: Pathogenic. Last evaluated: 2025-05-07. Review status: criteria provided, single submitter. Criteria: ACMG Guidelines, 2015. Collection method: clinical testing. Allele origin: germline. Observed: 1 variant allele.
Comment: PM2_supporting, PM6, PS4, PVS1_strong

3billion
Classification: Pathogenic for Amyotrophic lateral sclerosis type 6. Last evaluated: 2025-01-22. Review status: criteria provided, single submitter. Criteria: ACMG Guidelines, 2015. Collection method: clinical testing. Allele origin: germline. Affected: yes.
Comment: The variant is not observed in the gnomAD v4.1.0 dataset. Predicted Consequence/Location: Frameshift: predicted to result in a loss or disruption of normal protein function through protein truncation. The predicted truncated protein may be shortened by less than 10%. Functional studies provide strong evidence of the variant having a damaging effect on the gene or gene product (PMID: 24899262). The variant has been observed in multiple (>3) similarly affected unrelated individuals (PMID: 26984092). The variant has been previously reported as assumed (i.e. paternity and maternity not confirmed) de novo in at least one similarly affected unrelated individual (PMID: 25457557). The variant has been reported to co-segregate with the disease in at least 3 similarly affected relatives/individuals in the same family or similarly affected unrelated families (PMID: 24899262). The variant has been reported to be associated with FUS-related disorder (ClinVar ID: VCV001458206 /PMID: 22244934). Therefore, this variant is classified as Pathogenic according to the recommendation of ACMG/AMP guideline.

Labcorp Genetics (formerly Invitae), Labcorp
Classification: Pathogenic for Tremor, hereditary essential, 4; Amyotrophic lateral sclerosis type 6. Last evaluated: 2023-01-06. Review status: criteria provided, single submitter. Criteria: Invitae Variant Classification Sherloc (09022015). Collection method: clinical testing. Allele origin: germline.
Comment: This premature translational stop signal has been observed in individual(s) with amyotrophic lateral sclerosis (PMID: 24899262, 25457557, 26984092). In at least one individual the variant was observed to be de novo. For these reasons, this variant has been classified as Pathogenic. Experimental studies have shown that this premature translational stop signal affects FUS function (PMID: 24899262). Algorithms developed to predict the effect of variants on protein structure and function are not available or were not evaluated for this variant. This variant is also known as c.1507_1508delAG p.G503WfsX12. This variant is not present in population databases (gnomAD no frequency). This sequence change creates a premature translational stop signal (p.Gly504Trpfs*12) in the FUS gene. While this is not anticipated to result in nonsense mediated decay, it is expected to disrupt the last 23 amino acid(s) of the FUS protein.

Blueprint Genetics
Classification: Pathogenic for FUS-related disorders. Last evaluated: 2020-07-23. Review status: criteria provided, single submitter. Criteria: ACMG Guidelines, 2015. Collection method: clinical testing. Allele origin: germline. Affected: yes. Observed: 1 variant allele.

PreventionGenetics, part of Exact Sciences
Classification: Pathogenic for FUS-related condition. Last evaluated: 2023-12-13. Review status: no assertion criteria provided. Collection method: clinical testing. Allele origin: germline. Not counted in ClinVar's aggregate classification.
Comment: The FUS c.1509_1510delAG variant is predicted to result in a frameshift and premature protein termination (p.Gly504Trpfs*12). This variant, also referred to as c.1507_1508del, has previously been reported to be causative for amyotrophic lateral sclerosis (Kwon et al. 2012. PubMed ID: 22244934; Kent et al. 2014. PubMed ID: 24899262; Kim et al. 2014. PubMed ID: 25457557; Hirayanagi et al. 2016. PubMed ID: 26984092). This variant has not been reported in a large population database, indicating this variant is rare. Frameshift variants in FUS are expected to be pathogenic and multiple protein-truncating variants upstream and downstream of this variant have been reported (HGMD, ClinVar). This variant is interpreted as pathogenic.

Literature cited by the submitters: PubMed 22244934 (cited by Mayo Clinic Laboratories, Mayo Clinic and 3billion); PubMed 24899262 (cited by 3 submitters); PubMed 25457557 (cited by 3 submitters); PubMed 26984092 (cited by 3 submitters); PubMed 33637330 (cited by Mayo Clinic Laboratories, Mayo Clinic); PubMed 34564799 (cited by Mayo Clinic Laboratories, Mayo Clinic).

NM_004960.4(FUS):c.1509_1510del (p.Gly504fs)

Gene: FUS (FUS RNA binding protein; plus strand). Cytogenetic location: 16p11.2.
Variant type: Microsatellite.
Coding change: c.1509_1510del on transcript NM_004960.4 (MANE Select); coding-DNA positions 1509 to 1510, 2 bases deleted (AG; older notation c.1509_1510delAG).
Protein change: p.Gly504fs; shifts the reading frame from glycine 504.
Molecular consequence: frameshift variant. On other transcripts: non-coding transcript variant (1).
Genome position (GRCh38, 1-based): chr16:31,191,078-31,191,079, AG deleted; deleting any 2 consecutive bases within chr16:31,191,076-31,191,079 gives the same sequence; the c. name uses the placement nearest the transcript's 3' end. VCF-style (leftmost placement, unchanged base first): chr16-31191075-CAG-C. GRCh37 (hg19) VCF-style: chr16-31202396-CAG-C.
Other names: p.Gly504Trpfs*12; c.1509_1510del (NM_004960.3); c.1509_1510delAG (NM_004960.3); c.1506_1507del, p.Gly503fs (NM_001170634.1); c.1497_1498del, p.Gly500fs (NM_001170937.1); short protein forms G500fs, G504fs, G503fs.
Identifiers: ClinVar variation 1458206 (VCV001458206.10), dbSNP rs1596912983, ClinGen allele CA2573130372.